The following is an entry in ClinVar:

ClinVar aggregate classification (germline): Uncertain significance. Review status: criteria provided, multiple submitters, no conflicts (2 of 4 stars). 2 submissions from 2 submitters: Uncertain significance (2). Last evaluated 2025-08-05.

Conditions:
Hereditary cancer-predisposing syndrome. Also called: Neoplastic Syndromes, Hereditary; Tumor predisposition; Hereditary Cancer Syndrome; Hereditary neoplastic syndrome. Identifiers: Orphanet 140162, MedGen C0027672, MeSH D009386, MONDO:0015356.

Allele frequency attached by ClinVar (database versions not stated): gnomAD exomes below 0.00001.
gnomAD v4.1: 2 of 1,613,934 alleles (0.00012%); highest among the groups gnomAD compares: Non-Finnish European, 0.00017%; no homozygotes.

Submissions (2):

Ambry Genetics
Classification: Uncertain significance for Hereditary cancer-predisposing syndrome. Last evaluated: 2025-08-05. Review status: criteria provided, single submitter. Criteria: Ambry Variant Classification Scheme 2023. Collection method: clinical testing. Allele origin: germline.
Comment: The p.Y1081C variant (also known as c.3242A>G), located in coding exon 21 of the RAD50 gene, results from an A to G substitution at nucleotide position 3242. The tyrosine at codon 1081 is replaced by cysteine, an amino acid with highly dissimilar properties. This amino acid position is well conserved in available vertebrate species. In addition, the in silico prediction for this alteration is inconclusive. Since supporting evidence is limited at this time, the clinical significance of this alteration remains unclear.

Labcorp Genetics (formerly Invitae), Labcorp
Classification: Uncertain significance for Hereditary cancer-predisposing syndrome. Last evaluated: 2022-07-26. Review status: criteria provided, single submitter. Criteria: Invitae Variant Classification Sherloc (09022015). Collection method: clinical testing. Allele origin: germline.
Comment: ClinVar contains an entry for this variant (Variation ID: 457439). This variant has not been reported in the literature in individuals affected with RAD50-related conditions. This variant is not present in population databases (gnomAD no frequency). This sequence change replaces tyrosine, which is neutral and polar, with cysteine, which is neutral and slightly polar, at codon 1081 of the RAD50 protein (p.Tyr1081Cys). Algorithms developed to predict the effect of missense changes on protein structure and function are either unavailable or do not agree on the potential impact of this missense change (SIFT: "Deleterious"; PolyPhen-2: "Possibly Damaging"; Align-GVGD: "Class C0"). In summary, the available evidence is currently insufficient to determine the role of this variant in disease. Therefore, it has been classified as a Variant of Uncertain Significance.

NM_005732.4(RAD50):c.3242A>G (p.Tyr1081Cys)

Gene: RAD50 (RAD50 double strand break repair protein; plus strand). Cytogenetic location: 5q31.1.
Variant type: single nucleotide variant.
Coding change: c.3242A>G on transcript NM_005732.4 (MANE Select); coding-DNA position 3242, A replaced by G.
Protein change: p.Tyr1081Cys; replaces tyrosine 1081 with cysteine.
Molecular consequence: missense variant.
Genome position (GRCh38, 1-based): chr5:132,618,147, A>G. VCF-style: chr5-132618147-A-G. GRCh37 (hg19) VCF-style: chr5-131953839-A-G.
Other names: short protein forms Y1081C.
Identifiers: ClinVar variation 457439 (VCV000457439.17), dbSNP rs876659742, ClinGen allele CA360964463.